The following is an entry in ClinVar:

NM_024675.4(PALB2):c.2406T>G (p.Cys802Trp)

Gene: PALB2 (partner and localizer of BRCA2; minus strand). Cytogenetic location: 16p12.2.
Variant type: single nucleotide variant.
Coding change: c.2406T>G on transcript NM_024675.4 (MANE Select); coding-DNA position 2406, T replaced by G.
Protein change: p.Cys802Trp; replaces cysteine 802 with tryptophan.
Molecular consequence: missense variant.
Genome position (GRCh38, 1-based): chr16:23,629,748, A>C on the plus strand (T>G on the coding strand, the complement: PALB2 is on the minus strand). VCF-style: chr16-23629748-A-C. GRCh37 (hg19) VCF-style: chr16-23641069-A-C.
Other names: short protein forms C802W.
Identifiers: ClinVar variation 942963 (VCV000942963.10), dbSNP rs1966856594, ClinGen allele CA395124421.
Genomic context (GRCh38, chr16:23,629,748, plus strand): 5'-CTGATTTTCTTTAAAAGTGAATGACTCAATGGGTGGAGGTGTTCCTGGCGGGACAGAGTC[A>C]CAGTCACAGGTAGGTTGTCCTTGCCTGCCTGACACTTGCAGGGTGGTATGTGGTTTTGCT-3'
Protein context (NP_078951.2, residues 792-812): SGRQGQPTCD[Cys802Trp]DSVPPGTPPP

ClinVar aggregate classification (germline): Uncertain significance (1 of 4 stars; one submission).

Conditions:
Familial cancer of breast. Also called: hereditary breast carcinoma; BREAST CANCER, FAMILIAL; Hereditary breast cancer. Identifiers: Orphanet 227535, MedGen C0346153, MONDO:0016419, OMIM 114480. Disease mechanism: loss of function.

Submission:

Labcorp Genetics (formerly Invitae), Labcorp
Classification: Uncertain significance for Familial cancer of breast. Last evaluated: 2019-05-31. Review status: criteria provided, single submitter. Criteria: Invitae Variant Classification Sherloc (09022015). Collection method: clinical testing. Allele origin: germline.
Comment: This sequence change replaces cysteine with tryptophan at codon 802 of the PALB2 protein (p.Cys802Trp). The cysteine residue is moderately conserved and there is a large physicochemical difference between cysteine and tryptophan. This variant is not present in population databases (ExAC no frequency). This variant has not been reported in the literature in individuals with PALB2-related conditions. Algorithms developed to predict the effect of missense changes on protein structure and function are either unavailable or do not agree on the potential impact of this missense change (SIFT: "Deleterious"; PolyPhen-2: "Possibly Damaging"; Align-GVGD: "Class C15"). In summary, the available evidence is currently insufficient to determine the role of this variant in disease. Therefore, it has been classified as a Variant of Uncertain Significance.